The following is an entry in ClinVar:

ClinVar aggregate classification (germline): Uncertain significance (1 of 4 stars; one submission).

Conditions:
Developmental and epileptic encephalopathy, 30 (DEE30). Also called: Epileptic encephalopathy, early infantile, 30. Identifiers: MedGen C4225360, MONDO:0014595, OMIM 616341.

Submission:

Labcorp Genetics (formerly Invitae), Labcorp
Classification: Uncertain significance for Developmental and epileptic encephalopathy, 30. Last evaluated: 2020-01-24. Review status: criteria provided, single submitter. Criteria: Invitae Variant Classification Sherloc (09022015). Collection method: clinical testing. Allele origin: germline.
Comment: This variant has not been reported in the literature in individuals with SIK1-related disease. This sequence change replaces leucine with valine at codon 237 of the SIK1 protein (p.Leu237Val). The leucine residue is moderately conserved and there is a small physicochemical difference between leucine and valine. This variant is not present in population databases (ExAC no frequency). Algorithms developed to predict the effect of missense changes on protein structure and function do not agree on the potential impact of this missense change (SIFT: "Tolerated"; PolyPhen-2: "Probably Damaging"; Align-GVGD: "Class C0"). In summary, the available evidence is currently insufficient to determine the role of this variant in disease. Therefore, it has been classified as a Variant of Uncertain Significance.

NM_173354.5(SIK1):c.709C>G (p.Leu237Val)

Gene: SIK1 (salt inducible kinase 1; minus strand). Cytogenetic location: 21q22.3.
Variant type: single nucleotide variant.
Coding change: c.709C>G on transcript NM_173354.5 (MANE Select); coding-DNA position 709, C replaced by G.
Protein change: p.Leu237Val; replaces leucine 237 with valine.
Molecular consequence: missense variant.
Genome position (GRCh38, 1-based): chr21:43,421,049, G>C on the plus strand (C>G on the coding strand, the complement: SIK1 is on the minus strand). VCF-style: chr21-43421049-G-C. GRCh37 (hg19) VCF-style: chr21-44840929-G-C.
Other names: short protein forms L237V.
Identifiers: ClinVar variation 542701 (VCV000542701.9), dbSNP rs1555891321, ClinGen allele CA410609586.